The following is an entry in ClinVar:

ClinVar aggregate classification (germline): Pathogenic (0 of 4 stars; one submission).

Conditions:
Fanconi anemia complementation group A (FANCA). Also called: Fanconi anemia, group A; FANCA-Related Fanconi Anemia. Identifiers: Orphanet 84, MedGen C3469521, MONDO:0009215, OMIM 227650.

Submission:

Leiden Open Variation Database
Classification: Pathogenic for Fanconi anemia complementation group A. Last evaluated: 2020-02-28. Review status: no assertion criteria provided. Collection method: curation. Allele origin: germline. Affected: yes.
Comment: Curator: Arleen D. Auerbach. Submitters to LOVD: Arleen D. Auerbach, Johan de Winter.

Literature cited by the submitters: PubMed 17924555; PubMed 22778927.

NC_000016.10:g.(89783103_89784853)_(89784965_89791402)del

Gene: FANCA (FA complementation group A; minus strand). Cytogenetic location: 16q24.3.
Variant type: Deletion.
Identifiers: ClinVar variation 974114 (VCV000974114.1).